The following is an entry in ClinVar:

ClinVar aggregate classification (germline): Benign/Likely benign. Review status: criteria provided, multiple submitters, no conflicts (2 of 4 stars). 3 submissions from 3 submitters: Benign (1); Likely benign (1). 1 of the submissions does not count toward it. Last evaluated 2026-05-01.

Conditions:
KCNK4-related disorder. Also called: KCNK4-related condition.

Allele frequency attached by ClinVar (database versions not stated): 1000 Genomes Project 30x 0.00125; 1000 Genomes Project 0.00160; ESP Exome Variant Server 0.00400; gnomAD exomes 0.00541 and 0.00853; ExAC 0.00852.

Submissions (3):

CeGaT Center for Human Genetics Tuebingen
Classification: Likely benign. Last evaluated: 2026-05-01. Review status: criteria provided, single submitter. Criteria: CeGaT Center For Human Genetics Tuebingen Variant Classification Criteria Version 2. Collection method: clinical testing. Allele origin: germline. Affected: yes. Observed: 37 variant alleles.
Comment: KCNK4: BP4, BP7, BS2

Labcorp Genetics (formerly Invitae), Labcorp
Classification: Benign. Last evaluated: 2026-01-28. Review status: criteria provided, single submitter. Criteria: Invitae Variant Classification Sherloc (09022015). Collection method: clinical testing. Allele origin: germline.

PreventionGenetics, part of Exact Sciences
Classification: Benign for KCNK4-related condition. Last evaluated: 2024-08-15. Review status: no assertion criteria provided. Collection method: clinical testing. Allele origin: germline. Not counted in ClinVar's aggregate classification.
Comment: This variant is classified as benign based on ACMG/AMP sequence variant interpretation guidelines (Richards et al. 2015 PMID: 25741868, with internal and published modifications).

NM_033310.3(KCNK4):c.492G>A (p.Pro164=)

Genes: KCNK4 (potassium two pore domain channel subfamily K member 4; plus strand), KCNK4-CATSPERZ (KCNK4-CATSPERZ readthrough (NMD candidate); plus strand). Cytogenetic location: 11q13.1.
Variant type: single nucleotide variant.
Coding change: c.492G>A on transcript NM_033310.3 (MANE Select); coding-DNA position 492, G replaced by A.
Protein change: p.Pro164=; no amino-acid change (proline 164 retained).
Molecular consequence: synonymous variant. On other transcripts: non-coding transcript variant (1).
Genome position (GRCh38, 1-based): chr11:64,297,484, G>A. VCF-style: chr11-64297484-G-A. GRCh37 (hg19) VCF-style: chr11-64064956-G-A.
Other names: c.492G>A, p.Pro164= (NM_001317090.2); c.492G>A (NM_033310.2).
Identifiers: ClinVar variation 1335073 (VCV001335073.41), dbSNP rs2232415, ClinGen allele CA6073082.